The following is an entry in ClinVar:

NM_004859.4(CLTC):c.250+1G>T

Gene: CLTC (clathrin heavy chain; plus strand). Cytogenetic location: 17q23.1.
Variant type: single nucleotide variant.
Coding change: c.250+1G>T on transcript NM_004859.4 (MANE Select); the canonical splice donor site of the intron after coding-DNA position 250, G replaced by T.
Molecular consequence: splice donor variant. On other transcripts: missense variant (1).
Genome position (GRCh38, 1-based): chr17:59,644,484, G>T. VCF-style: chr17-59644484-G-T. GRCh37 (hg19) VCF-style: chr17-57721845-G-T.
Other names: c.251G>T, p.Gly84Val (NM_001288653.2); short protein forms G84V.
Identifiers: ClinVar variation 3728180 (VCV003728180.3).

ClinVar aggregate classification (germline): Uncertain significance (1 of 4 stars; one submission).

Submissions (2):

Labcorp Genetics (formerly Invitae), Labcorp
Classification: Uncertain significance. Last evaluated: 2025-03-03. Review status: criteria provided, single submitter. Criteria: Invitae Variant Classification Sherloc (09022015). Collection method: clinical testing. Allele origin: germline.
Comment: This sequence change replaces glycine, which is neutral and non-polar, with valine, which is neutral and non-polar, at codon 84 of the CLTC protein (p.Gly84Val). This variant is not present in population databases (gnomAD no frequency). This variant has not been reported in the literature in individuals affected with CLTC-related conditions. Experimental studies and prediction algorithms are not available or were not evaluated, and the functional significance of this variant is currently unknown. Algorithms developed to predict the effect of sequence changes on RNA splicing suggest that this variant may create or strengthen a splice site. In summary, the available evidence is currently insufficient to determine the role of this variant in disease. Therefore, it has been classified as a Variant of Uncertain Significance.

Dr. Peter K. Rogan Lab, Western University
No classification provided (evidence only). Condition: Nonpapillary renal cell carcinoma. Review status: no classification provided. Collection method: in vitro. Allele origin: not applicable. Functional consequence: retained intron. Not counted in ClinVar's aggregate classification.